The following is an entry in ClinVar:

NM_015100.4(POGZ):c.2709C>T (p.Pro903=)

Gene: POGZ (pogo transposable element derived with ZNF domain; minus strand). Cytogenetic location: 1q21.3.
Variant type: single nucleotide variant.
Coding change: c.2709C>T on transcript NM_015100.4 (MANE Select); coding-DNA position 2709, C replaced by T.
Protein change: p.Pro903=; no amino-acid change (proline 903 retained).
Molecular consequence: synonymous variant.
Genome position (GRCh38, 1-based): chr1:151,406,326, G>A on the plus strand (C>T on the coding strand, the complement: POGZ is on the minus strand). VCF-style: chr1-151406326-G-A. GRCh37 (hg19) VCF-style: chr1-151378802-G-A.
Other names: c.2682C>T, p.Pro894= (NM_001194937.2); c.2523C>T, p.Pro841= (NM_001194938.2); c.2730C>T, p.Pro910= (NM_001410860.1); c.2424C>T, p.Pro808= (NM_145796.4); c.2550C>T, p.Pro850= (NM_207171.2).
Identifiers: ClinVar variation 4687323 (VCV004687323.2).
Genomic context (GRCh38, chr1:151,406,326, plus strand): 5'-GTGAGTGGGGGTTGGTGGTGGGGTTGCAGTTGAGGCTGGTGATGGGAGTGCTGGGGCTAA[G>A]GGAGTTAGTAGCTCTTCAGGCTCAGCTGGGGTGGCCCCCGCAGATTTCACAGTGGCAGCT-3'
Protein context (NP_055915.2, residues 893-913): TPAEPEELLT[Pro903=]LAPALPSPAS

ClinVar aggregate classification (germline): Likely benign. Review status: criteria provided, multiple submitters, no conflicts (2 of 4 stars). 2 submissions from 2 submitters: Likely benign (2). Last evaluated 2025-10-14.

gnomAD v4.1: 5 of 1,608,984 alleles (0.00031%); highest among the groups gnomAD compares: Non-Finnish European, 0.00025%; no homozygotes.

Submissions (2):

Women's Health and Genetics/Laboratory Corporation of America, LabCorp
Classification: Likely benign. Last evaluated: 2025-10-14. Review status: criteria provided, single submitter. Criteria: LabCorp Variant Classification Summary - May 2015. Collection method: clinical testing. Allele origin: germline.
Comment: Variant summary: POGZ c.2709C>T alters a non-conserved nucleotide resulting in a synonymous change. Consensus agreement among computation tools predict no significant impact on normal splicing. However, these predictions have yet to be confirmed by functional studies. The variant was absent in 244776 control chromosomes. The available data on variant occurrences in the general population are insufficient to allow any conclusion about variant significance. To our knowledge, no occurrence of c.2709C>T in individuals affected with POGZ-related conditions and no experimental evidence demonstrating its impact on protein function have been reported. No submitters have cited clinical-significance assessments for this variant to ClinVar. Based on the evidence outlined above, the variant was classified as likely benign.

Blueprint Genetics
Classification: Likely benign. Last evaluated: 2020-07-07. Review status: criteria provided, single submitter. Criteria: ACMG Guidelines, 2015. Collection method: clinical testing. Allele origin: germline.